The following is an entry in ClinVar:

NM_031892.3(SH3KBP1):c.999A>T (p.Glu333Asp)

Gene: SH3KBP1 (SH3 domain containing kinase binding protein 1; minus strand). Cytogenetic location: Xp22.12.
Variant type: single nucleotide variant.
Coding change: c.999A>T on transcript NM_031892.3 (MANE Select); coding-DNA position 999, A replaced by T.
Protein change: p.Glu333Asp; replaces glutamic acid 333 with aspartic acid.
Molecular consequence: missense variant.
Genome position (GRCh38, 1-based): chrX:19,607,944, T>A on the plus strand (A>T on the coding strand, the complement: SH3KBP1 is on the minus strand). VCF-style: chrX-19607944-T-A. GRCh37 (hg19) VCF-style: chrX-19626062-T-A.
Other names: p.Glu333Asp; c.888A>T, p.Glu296Asp (NM_001024666.3); c.285A>T, p.Glu95Asp (NM_001184960.2, NM_001353897.2); c.999A>T, p.Glu333Asp (NM_001353890.2); c.1074A>T, p.Glu358Asp (NM_001353891.2, NM_001353892.2); c.897A>T, p.Glu299Asp (NM_001353893.2, NM_001353894.2); c.954A>T, p.Glu318Asp (NM_001353895.2); c.1131A>T, p.Glu377Asp (NM_001410756.1, NM_001410757.1); and 1 more; short protein forms E274D, E296D, E299D, E318D, E333D, E358D, E377D, E95D.
Identifiers: ClinVar variation 3380736 (VCV003380736.1).

ClinVar aggregate classification (germline): Uncertain significance (1 of 4 stars; one submission).

Submission:

Mayo Clinic Laboratories, Mayo Clinic
Classification: Uncertain significance. Last evaluated: 2024-02-21. Review status: criteria provided, single submitter. Criteria: ACMG Guidelines, 2015. Collection method: clinical testing. Allele origin: germline. Observed: 1 variant allele.
Comment: BP4, PM2